The following is an entry in ClinVar:

ClinVar aggregate classification (germline): Benign. Review status: criteria provided, multiple submitters, no conflicts (2 of 4 stars). 3 submissions from 3 submitters: Benign (2). 1 of the submissions does not count toward it. Last evaluated 2021-05-05.

Conditions:
ADCY6-related disorder. Also called: ADCY6-related condition.

Allele frequency attached by ClinVar (database versions not stated): gnomAD 0.03682; TOPMed 0.03928; ESP Exome Variant Server 0.03990; 1000 Genomes Project 0.04093; 1000 Genomes Project 30x 0.04388.
gnomAD v4.1: 10,683 of 1,613,808 alleles (0.66%); highest among the groups gnomAD compares: African/African-American, 12%; 564 homozygotes.

Submissions (3):

GeneDx
Classification: Benign. Last evaluated: 2021-05-05. Review status: criteria provided, single submitter. Criteria: GeneDx Variant Classification Process June 2021. Collection method: clinical testing. Allele origin: germline. Affected: yes.

Breakthrough Genomics
Classification: Benign. Review status: criteria provided, single submitter. Criteria: ACMG Guidelines, 2015. Collection method: not provided. Allele origin: germline. Inheritance: Autosomal recessive inheritance. Affected: yes.

PreventionGenetics, part of Exact Sciences
Classification: Benign for ADCY6-related condition. Last evaluated: 2024-05-17. Review status: no assertion criteria provided. Collection method: clinical testing. Allele origin: germline. Not counted in ClinVar's aggregate classification.
Comment: This variant is classified as benign based on ACMG/AMP sequence variant interpretation guidelines (Richards et al. 2015 PMID: 25741868, with internal and published modifications).

NM_015270.5(ADCY6):c.1437C>T (p.Arg479=)

Gene: ADCY6 (adenylate cyclase 6; minus strand). Cytogenetic location: 12q13.12.
Variant type: single nucleotide variant.
Coding change: c.1437C>T on transcript NM_015270.5 (MANE Select); coding-DNA position 1437, C replaced by T.
Protein change: p.Arg479=; no amino-acid change (arginine 479 retained).
Molecular consequence: synonymous variant. On other transcripts: non-coding transcript variant (1).
Genome position (GRCh38, 1-based): chr12:48,776,526, G>A on the plus strand (C>T on the coding strand, the complement: ADCY6 is on the minus strand). VCF-style: chr12-48776526-G-A. GRCh37 (hg19) VCF-style: chr12-49170309-G-A.
Other names: c.1437C>T, p.Arg479= (NM_001390830.1, NM_001390831.2, NM_001412819.1 and 3 more transcripts); c.1437C>T (NM_015270.4).
Identifiers: ClinVar variation 1277272 (VCV001277272.3), dbSNP rs3730068, ClinGen allele CA6541312.
Genomic context (GRCh38, chr12:48,776,526, plus strand): 5'-CACATCATTGGACCACACATCGAACTGCCATTTCCGCAAGCCAAGGACGCCGCAGTGCAC[G>A]CGCCCGCTGTGGATGCCCACGCGCATGTTCACATTCACACCTGTCACCTCACGTACCAGC-3'
Protein context (NP_056085.1, residues 469-489): VNMRVGIHSG[Arg479=]VHCGVLGLRK